The following is an entry in ClinVar:

NM_006096.4(NDRG1):c.1122C>G (p.Ile374Met)

Gene: NDRG1 (N-myc downstream regulated 1; minus strand). Cytogenetic location: 8q24.22.
Variant type: single nucleotide variant.
Coding change: c.1122C>G on transcript NM_006096.4 (MANE Select); coding-DNA position 1122, C replaced by G.
Protein change: p.Ile374Met; replaces isoleucine 374 with methionine.
Molecular consequence: missense variant.
Genome position (GRCh38, 1-based): chr8:133,238,941, G>C on the plus strand (C>G on the coding strand, the complement: NDRG1 is on the minus strand). VCF-style: chr8-133238941-G-C. GRCh37 (hg19) VCF-style: chr8-134251184-G-C.
Other names: c.1122C>G, p.Ile374Met (NM_001135242.2, NM_001374845.1, NM_001374846.1); c.924C>G, p.Ile308Met (NM_001258432.2, NM_001374847.1); c.879C>G, p.Ile293Met (NM_001258433.2); c.1173C>G, p.Ile391Met (NM_001374844.1); short protein forms I308M, I374M, I391M, I293M.
Identifiers: ClinVar variation 1798135 (VCV001798135.2), dbSNP rs2537995230, ClinGen allele CA372254304.

ClinVar aggregate classification (germline): Uncertain significance (1 of 4 stars; one submission).

Conditions:
Inborn genetic diseases. Identifiers: MedGen C0950123, MeSH D030342.

Submission:

Ambry Genetics
Classification: Uncertain significance for Inborn genetic diseases. Last evaluated: 2022-04-08. Review status: criteria provided, single submitter. Criteria: Ambry Variant Classification Scheme 2023. Collection method: clinical testing. Allele origin: germline.
Comment: The p.I374M variant (also known as c.1122C>G), located in coding exon 15 of the NDRG1 gene, results from a C to G substitution at nucleotide position 1122. The isoleucine at codon 374 is replaced by methionine, an amino acid with highly similar properties. This amino acid position is conserved. In addition, this alteration is predicted to be tolerated by in silico analysis. Since supporting evidence is limited at this time, the clinical significance of this alteration remains unclear.